The following is an entry in ClinVar:

ClinVar aggregate classification (germline): Uncertain significance (1 of 4 stars; one submission).

gnomAD v4.1: 6 of 1,613,936 alleles (0.00037%); highest among the groups gnomAD compares: Non-Finnish European, 0.00051%; no homozygotes.

Submission:

Ambry Genetics
Classification: Uncertain significance. Last evaluated: 2025-12-14. Review status: criteria provided, single submitter. Criteria: Ambry Variant Classification Scheme 2023. Collection method: clinical testing. Allele origin: germline.
Comment: The c.13G>T (p.A5S) alteration is located in exon 1 (coding exon 1) of the SHQ1 gene. This alteration results from a G to T substitution at nucleotide position 13, causing the alanine (A) at amino acid position 5 to be replaced by a serine (S). Based on data from gnomAD, the T allele has an overall frequency of <0.001% (1/249942) total alleles studied. The highest observed frequency was 0.001% (1/112506) of European (non-Finnish) alleles. This amino acid position is highly conserved in available vertebrate species. The in silico prediction for this alteration is inconclusive. Based on insufficient or conflicting evidence, the clinical significance of this alteration remains unclear.

NM_018130.3(SHQ1):c.13G>T (p.Ala5Ser)

Gene: SHQ1 (SHQ1, H/ACA ribonucleoprotein assembly factor; minus strand). Cytogenetic location: 3p13.
Variant type: single nucleotide variant.
Coding change: c.13G>T on transcript NM_018130.3 (MANE Select); coding-DNA position 13, G replaced by T.
Protein change: p.Ala5Ser; replaces alanine 5 with serine.
Molecular consequence: missense variant.
Genome position (GRCh38, 1-based): chr3:72,848,328, C>A on the plus strand (G>T on the coding strand, the complement: SHQ1 is on the minus strand). VCF-style: chr3-72848328-C-A. GRCh37 (hg19) VCF-style: chr3-72897479-C-A.
Other names: short protein forms A5S.
Identifiers: ClinVar variation 4583630 (VCV004583630.1).